The following is an entry in ClinVar:

ClinVar aggregate classification (germline): Likely benign. Review status: criteria provided, multiple submitters, no conflicts (2 of 4 stars). 3 submissions from 3 submitters: Likely benign (3). Last evaluated 2026-01-25.

Conditions:
TRPM1-related disorder. Also called: TRPM1-related condition.

Allele frequency attached by ClinVar (database versions not stated): gnomAD exomes 0.00011 and 0.00018; ExAC 0.00018; 1000 Genomes Project 30x 0.00047; gnomAD 0.00054 and 0.00057; 1000 Genomes Project 0.00060; TOPMed 0.00060; ESP Exome Variant Server 0.00093.
gnomAD v4.1: 264 of 1,614,062 alleles (0.016%); highest among the groups gnomAD compares: African/African-American, 0.22%; no homozygotes.

Submissions (3):

Labcorp Genetics (formerly Invitae), Labcorp
Classification: Likely benign. Last evaluated: 2026-01-25. Review status: criteria provided, single submitter. Criteria: Invitae Variant Classification Sherloc (09022015). Collection method: clinical testing. Allele origin: germline.

PreventionGenetics, part of Exact Sciences
Classification: Likely benign for TRPM1-related condition. Last evaluated: 2024-12-10. Review status: criteria provided, single submitter. Criteria: ACMG Guidelines, 2015. Collection method: clinical testing. Allele origin: germline.
Comment: This variant is classified as likely benign based on ACMG/AMP sequence variant interpretation guidelines (Richards et al. 2015 PMID: 25741868, with internal and published modifications).

Blueprint Genetics
Classification: Likely benign. Last evaluated: 2024-11-11. Review status: criteria provided, single submitter. Criteria: ACMG Guidelines, 2015. Collection method: clinical testing. Allele origin: germline.

NM_001252024.2(TRPM1):c.2316+5G>A

Gene: TRPM1 (transient receptor potential cation channel subfamily M member 1; minus strand). Cytogenetic location: 15q13.3.
Variant type: single nucleotide variant.
Coding change: c.2316+5G>A on transcript NM_001252024.2 (MANE Select); 5 bases into the intron after coding-DNA position 2316, G replaced by A.
Molecular consequence: intron variant.
Genome position (GRCh38, 1-based): chr15:31,040,113, C>T on the plus strand (G>A on the coding strand, the complement: TRPM1 is on the minus strand). VCF-style: chr15-31040113-C-T. GRCh37 (hg19) VCF-style: chr15-31332316-C-T.
Other names: c.2367+5G>A (NM_001252020.2, NM_001252020.1); c.2250+5G>A (NM_002420.6).
Identifiers: ClinVar variation 1095313 (VCV001095313.11), dbSNP rs184774626, ClinGen allele CA7452261.